The following is an entry in ClinVar:

ClinVar aggregate classification (germline): Uncertain significance (1 of 4 stars; one submission).

Submission:

GeneDx
Classification: Uncertain significance. Last evaluated: 2025-04-24. Review status: criteria provided, single submitter. Criteria: GeneDx Variant Classification Process June 2021. Collection method: clinical testing. Allele origin: germline. Affected: yes.
Comment: Not observed at significant frequency in large population cohorts (gnomAD); Has not been previously published as pathogenic or benign to our knowledge; Frameshift variant predicted to result in abnormal protein length as the last 113 amino acids are replaced with 14 different amino acids with an unclear effect on protein function

NM_002241.5(KCNJ10):c.798del (p.Asp267fs)

Gene: KCNJ10 (potassium inwardly rectifying channel subfamily J member 10; minus strand). Cytogenetic location: 1q23.2.
Variant type: Deletion.
Coding change: c.798del on transcript NM_002241.5 (MANE Select); coding-DNA position 798, one base deleted (A; older notation c.798delA).
Protein change: p.Asp267fs; shifts the reading frame from aspartic acid 267.
Molecular consequence: frameshift variant.
Genome position (GRCh38, 1-based): chr1:160,041,735, T deleted on the plus strand (A on the coding strand, the reverse complement: KCNJ10 is on the minus strand); the first of 3 consecutive T bases (chr1:160,041,735-160,041,737); deleting any one gives the same sequence. VCF-style (leftmost placement, unchanged base first): chr1-160041734-CT-C. GRCh37 (hg19) VCF-style: chr1-160011524-CT-C.
Other names: short protein forms D267fs.
Identifiers: ClinVar variation 4527193 (VCV004527193.1).